The following is an entry in ClinVar:

ClinVar aggregate classification (germline): Pathogenic (1 of 4 stars; one submission).

Conditions:
Corneal dystrophy-perceptive deafness syndrome (CDPD). Also called: CORNEAL DYSTROPHY AND SENSORINEURAL DEAFNESS; HARBOYAN SYNDROME. Identifiers: Orphanet 1490, MedGen C1857572, MONDO:0009015, OMIM 217400.

Submission:

Natera, Inc.
Classification: Pathogenic for Corneal dystrophy-perceptive deafness syndrome. Last evaluated: 2024-04-08. Review status: criteria provided, single submitter. Criteria: Natera Variant Classification Schema (03/2026). Collection method: clinical testing. Allele origin: germline.
Comment: The c.2060_2066+1delAGAACAGG variant in SLC4A11 is a canonical splice donor site variant predicted to affect pre-mRNA splicing, which may result in an abnormal transcript and altered protein product. This variant is expected to result in nonsense mediated decay, truncation, or a dysfunctional protein product. This variant is rare in the general population with a frequency below the threshold expected for the associated phenotype(s). Another variant at this same site results in an alteration predicted to cause a similar molecular effect has been observed in individual(s) with the associated phenotype. Given the available evidence, this variant is classified as Pathogenic.

NM_001174089.2(SLC4A11):c.2012_2018+1del

Gene: SLC4A11 (solute carrier family 4 member 11; minus strand). Cytogenetic location: 20p13.
Variant type: Deletion.
Coding change: c.2012_2018+1del on transcript NM_001174089.2 (MANE Select); coding-DNA position 2012 through the canonical splice donor site of the intron after coding-DNA position 2018, 8 bases deleted (AGAACAGG; older notation c.2012_2018+1delAGAACAGG).
Molecular consequence: splice donor variant.
Genome position (GRCh38, 1-based): chr20:3,229,094-3,229,101, CCTGTTCT deleted on the plus strand (AGAACAGG on the coding strand, the reverse complement: SLC4A11 is on the minus strand); deleting any 8 consecutive bases within chr20:3,229,094-3,229,103 gives the same sequence; the c. name uses the placement nearest the transcript's 3' end. VCF-style (leftmost placement, unchanged base first): chr20-3229093-ACCTGTTCT-A. GRCh37 (hg19) VCF-style: chr20-3209739-ACCTGTTCT-A.
Other names: c.1955_1961+1del (NM_001400277.1, NM_001400278.1, NM_001400279.1); c.1898_1904+1del (NM_001363745.2); c.2027_2033+1del (NM_001400280.1); c.2141_2147+1del (NM_001174090.2); c.2060_2066+1del (NM_032034.4).
Identifiers: ClinVar variation 4816307 (VCV004816307.1).